The following is an entry in ClinVar:

ClinVar aggregate classification (germline): Uncertain significance. Review status: criteria provided, multiple submitters, no conflicts (2 of 4 stars). 2 submissions from 2 submitters: Uncertain significance (2). Last evaluated 2024-10-17.

Conditions:
Oto-palato-digital syndrome, type II (OPD2). Also called: FACIOPALATOOSSEOUS SYNDROME; OPD II SYNDROME; Otopalatodigital Syndrome, Type II; Otopalatodigital Syndrome Type 2 (FLNA-OPD2). Identifiers: Orphanet 669, Orphanet 90652, MedGen C1844696, MONDO:0010571, OMIM 304120.
Heterotopia, periventricular, X-linked dominant (PVNH1). Also called: X-linked periventricular heterotopia; PERIVENTRICULAR NODULAR HETEROTOPIA 4; HETEROTOPIA, PERIVENTRICULAR, 1; PERIVENTRICULAR NODULAR HETEROTOPIA 1. Identifiers: Orphanet 2149, Orphanet 82004, MedGen C1848213, MONDO:0010233, OMIM 300049.
Melnick-Needles syndrome (MNS). Also called: MELNICK-NEEDLES OSTEODYSPLASTY; OSTEODYSPLASTY OF MELNICK AND NEEDLES; Melnick-Needles Syndrome (FLNA-MNS). Identifiers: Orphanet 2484, MedGen C0025237, MONDO:0010650, OMIM 309350.
Frontometaphyseal dysplasia (FMD1). Identifiers: Orphanet 1826, MedGen C0265293, MONDO:0015942.

gnomAD v4.1: 3 of 1,211,921 alleles (0.00025%); highest among the groups gnomAD compares: Non-Finnish European, 0.00034%; no homozygotes.

Submissions (2):

Labcorp Genetics (formerly Invitae), Labcorp
Classification: Uncertain significance for Oto-palato-digital syndrome, type II; Heterotopia, periventricular, X-linked dominant; Frontometaphyseal dysplasia; Melnick-Needles syndrome. Last evaluated: 2024-10-17. Review status: criteria provided, single submitter. Criteria: Invitae Variant Classification Sherloc (09022015). Collection method: clinical testing. Allele origin: germline.
Comment: This sequence change replaces alanine, which is neutral and non-polar, with threonine, which is neutral and polar, at codon 381 of the FLNA protein (p.Ala381Thr). This variant is not present in population databases (gnomAD no frequency). This variant has not been reported in the literature in individuals affected with FLNA-related conditions. ClinVar contains an entry for this variant (Variation ID: 1006255). Invitae Evidence Modeling of protein sequence and biophysical properties (such as structural, functional, and spatial information, amino acid conservation, physicochemical variation, residue mobility, and thermodynamic stability) indicates that this missense variant is not expected to disrupt FLNA protein function with a negative predictive value of 95%. In summary, the available evidence is currently insufficient to determine the role of this variant in disease. Therefore, it has been classified as a Variant of Uncertain Significance.

Blueprint Genetics
Classification: Uncertain significance. Last evaluated: 2020-12-03. Review status: criteria provided, single submitter. Criteria: ACMG Guidelines, 2015. Collection method: clinical testing. Allele origin: germline.

NM_001110556.2(FLNA):c.1141G>A (p.Ala381Thr)

Gene: FLNA (filamin A; minus strand). Cytogenetic location: Xq28.
Variant type: single nucleotide variant.
Coding change: c.1141G>A on transcript NM_001110556.2 (MANE Select); coding-DNA position 1141, G replaced by A.
Protein change: p.Ala381Thr; replaces alanine 381 with threonine.
Molecular consequence: missense variant.
Genome position (GRCh38, 1-based): chrX:154,366,395, C>T on the plus strand (G>A on the coding strand, the complement: FLNA is on the minus strand). VCF-style: chrX-154366395-C-T. GRCh37 (hg19) VCF-style: chrX-153594763-C-T.
Other names: c.1141G>A, p.Ala381Thr (NM_001456.4); short protein forms A381T.
Identifiers: ClinVar variation 1006255 (VCV001006255.9), dbSNP rs781984427, ClinGen allele CA415244514.